The following is an entry in ClinVar:

ClinVar aggregate classification (germline): Uncertain significance (1 of 4 stars; one submission).

Submission:

Labcorp Genetics (formerly Invitae), Labcorp
Classification: Uncertain significance. Last evaluated: 2022-06-25. Review status: criteria provided, single submitter. Criteria: Invitae Variant Classification Sherloc (09022015). Collection method: clinical testing. Allele origin: germline.
Comment: In summary, the available evidence is currently insufficient to determine the role of this variant in disease. Therefore, it has been classified as a Variant of Uncertain Significance. Algorithms developed to predict the effect of missense changes on protein structure and function (SIFT, PolyPhen-2, Align-GVGD) all suggest that this variant is likely to be disruptive. This variant has not been reported in the literature in individuals affected with HMCN1-related conditions. This variant is not present in population databases (gnomAD no frequency). This sequence change replaces glycine, which is neutral and non-polar, with serine, which is neutral and polar, at codon 4324 of the HMCN1 protein (p.Gly4324Ser).

NM_031935.3(HMCN1):c.12970G>A (p.Gly4324Ser)

Gene: HMCN1 (hemicentin 1; plus strand). Cytogenetic location: 1q31.1.
Variant type: single nucleotide variant.
Coding change: c.12970G>A on transcript NM_031935.3 (MANE Select); coding-DNA position 12970, G replaced by A.
Protein change: p.Gly4324Ser; replaces glycine 4324 with serine.
Molecular consequence: missense variant.
Genome position (GRCh38, 1-based): chr1:186,130,031, G>A. VCF-style: chr1-186130031-G-A. GRCh37 (hg19) VCF-style: chr1-186099163-G-A.
Other names: short protein forms G4324S.
Identifiers: ClinVar variation 2076718 (VCV002076718.4), dbSNP rs2528066683, ClinGen allele CA343907081.